The following is an entry in ClinVar:

ClinVar aggregate classification (germline): Benign. Review status: criteria provided, multiple submitters, no conflicts (2 of 4 stars). 2 submissions from 2 submitters: Benign (2). Last evaluated 2018-06-19.

Allele frequency attached by ClinVar (database versions not stated): TOPMed 0.99996; gnomAD 0.99997 and 0.99996; 1000 Genomes Project 30x 1.00000; 1000 Genomes Project 1.00000.

Submissions (2):

GeneDx
Classification: Benign. Last evaluated: 2018-06-19. Review status: criteria provided, single submitter. Criteria: GeneDx Variant Classification (06012015). Collection method: clinical testing. Allele origin: germline. Affected: yes.
Comment: This variant is considered likely benign or benign based on one or more of the following criteria: it is a conservative change, it occurs at a poorly conserved position in the protein, it is predicted to be benign by multiple in silico algorithms, and/or has population frequency not consistent with disease.

Breakthrough Genomics
Classification: Benign. Review status: criteria provided, single submitter. Criteria: ACMG Guidelines, 2015. Collection method: not provided. Allele origin: germline. Inheritance: Autosomal recessive inheritance. Affected: yes.

NM_003573.2(LTBP4):c.340+1122G>C

Gene: LTBP4 (latent transforming growth factor beta binding protein 4; plus strand). Cytogenetic location: 19q13.2.
Variant type: single nucleotide variant.
Coding change: c.340+1122G>C on transcript NM_003573.2; 1122 bases into the intron after coding-DNA position 340, G replaced by C.
Molecular consequence: intron variant.
Genome position (GRCh38, 1-based): chr19:40,601,299, G>C. VCF-style: chr19-40601299-G-C. GRCh37 (hg19) VCF-style: chr19-41107205-G-C.
Other names: c.451+1122G>C (NM_001042544.1).
Identifiers: ClinVar variation 678506 (VCV000678506.4), dbSNP rs2195386, ClinGen allele CA308443823.